The following is an entry in ClinVar:

NM_004612.4(TGFBR1):c.305A>G (p.Asn102Ser)

Gene: TGFBR1 (transforming growth factor beta receptor 1; plus strand). Cytogenetic location: 9q22.33.
Variant type: single nucleotide variant.
Coding change: c.305A>G on transcript NM_004612.4 (MANE Select); coding-DNA position 305, A replaced by G.
Protein change: p.Asn102Ser; replaces asparagine 102 with serine.
Molecular consequence: missense variant.
Genome position (GRCh38, 1-based): chr9:99,129,062, A>G. VCF-style: chr9-99129062-A-G. GRCh37 (hg19) VCF-style: chr9-101891344-A-G.
Other names: c.98A>G, p.Asn33Ser (NM_001407419.1, NM_001407420.1, NM_001407422.1 and 12 more transcripts); c.305A>G (NM_004612.2); c.305A>G, p.Asn102Ser (NM_001130916.3, NM_001306210.2, NM_001407416.1 and 2 more transcripts); short protein forms N33S, N102S.
Identifiers: ClinVar variation 2155696 (VCV002155696.4), dbSNP rs200860457, ClinGen allele CA041469.
Genomic context (GRCh38, chr9:99,129,062, plus strand): 5'-GGCCGTTTGTATGTGCACCCTCTTCAAAAACTGGGTCTGTGACTACAACATATTGCTGCA[A>G]TCAGGACCATTGCAATAAAATAGAACTTCCAACTACTGGTAAGTTGTATAAAATTTTTTT-3'
Protein context (NP_004603.1, residues 92-112): TGSVTTTYCC[Asn102Ser]QDHCNKIELP

ClinVar aggregate classification (germline): Uncertain significance. Review status: criteria provided, multiple submitters, no conflicts (2 of 4 stars). 3 submissions from 3 submitters: Uncertain significance (3). Last evaluated 2026-02-19.

Conditions:
Loeys-Dietz syndrome (LDS). Identifiers: Orphanet 60030, MedGen C2697932, MONDO:0018954.
Familial thoracic aortic aneurysm and aortic dissection (TAAD). Also called: Thoracic aortic aneurysms and dissections. Identifiers: Orphanet 91387, MedGen C4707243, MONDO:0019625.

Allele frequency attached by ClinVar (database versions not stated): TOPMed below 0.00001; gnomAD exomes 0.00002; ExAC 0.00003.

Submissions (3):

Ambry Genetics
Classification: Uncertain significance for Familial thoracic aortic aneurysm and aortic dissection. Last evaluated: 2026-02-19. Review status: criteria provided, single submitter. Criteria: Ambry Variant Classification Scheme 2023. Collection method: clinical testing. Allele origin: germline.
Comment: The p.N102S variant (also known as c.305A>G), located in coding exon 2 of the TGFBR1 gene, results from an A to G substitution at nucleotide position 305. The asparagine at codon 102 is replaced by serine, an amino acid with highly similar properties. This amino acid position is conserved. In addition, this alteration is predicted to be tolerated by in silico analysis. Based on the available evidence, the clinical significance of this variant remains unclear.

Labcorp Genetics (formerly Invitae), Labcorp
Classification: Uncertain significance for Familial thoracic aortic aneurysm and aortic dissection. Last evaluated: 2025-08-26. Review status: criteria provided, single submitter. Criteria: Invitae Variant Classification Sherloc (09022015). Collection method: clinical testing. Allele origin: germline.
Comment: This sequence change replaces asparagine, which is neutral and polar, with serine, which is neutral and polar, at codon 102 of the TGFBR1 protein (p.Asn102Ser). This variant is present in population databases (rs200860457, gnomAD 0.03%). This variant has not been reported in the literature in individuals affected with TGFBR1-related conditions. ClinVar contains an entry for this variant (Variation ID: 2155696). Invitae Evidence Modeling of protein sequence and biophysical properties (such as structural, functional, and spatial information, amino acid conservation, physicochemical variation, residue mobility, and thermodynamic stability) indicates that this missense variant is not expected to disrupt TGFBR1 protein function with a negative predictive value of 80%. In summary, the available evidence is currently insufficient to determine the role of this variant in disease. Therefore, it has been classified as a Variant of Uncertain Significance.

All of Us Research Program, National Institutes of Health
Classification: Uncertain significance for Loeys-Dietz syndrome. Last evaluated: 2023-04-28. Review status: criteria provided, single submitter. Criteria: ACMG Guidelines, 2015. Collection method: clinical testing. Allele origin: germline. Inheritance: Autosomal dominant inheritance. Observed: 2 variant alleles, 2 heterozygotes.
Comment: This missense variant replaces asparagine with serine at codon 102 of the TGFBR1 protein. Computational prediction suggests that this variant may not impact protein structure and function (internally defined REVEL score threshold <= 0.5, PMID: 27666373). To our knowledge, functional studies have not been reported for this variant. This variant has not been reported in individuals affected with TGFBR1-related disorders in the literature. This variant has been identified in 11/250820 chromosomes in the general population by the Genome Aggregation Database (gnomAD). The available evidence is insufficient to determine the role of this variant in disease conclusively. Therefore, this variant is classified as a Variant of Uncertain Significance.

This study involves interpretation of variants in research participants for the purpose of population health screening. Participant phenotype was not available at the time of variant classification. Additional details can be found in publication PMID: 35346344, PMCID: PMC8962531